The following is an entry in ClinVar:

NM_138295.5(PKD1L1):c.2243A>C (p.Glu748Ala)

Gene: PKD1L1 (polycystin 1 like 1, transient receptor potential channel interacting; minus strand). Cytogenetic location: 7p12.3.
Variant type: single nucleotide variant.
Coding change: c.2243A>C on transcript NM_138295.5 (MANE Select); coding-DNA position 2243, A replaced by C.
Protein change: p.Glu748Ala; replaces glutamic acid 748 with alanine.
Molecular consequence: missense variant.
Genome position (GRCh38, 1-based): chr7:47,898,016, T>G on the plus strand (A>C on the coding strand, the complement: PKD1L1 is on the minus strand). VCF-style: chr7-47898016-T-G. GRCh37 (hg19) VCF-style: chr7-47937613-T-G.
Other names: short protein forms E748A.
Identifiers: ClinVar variation 2634650 (VCV002634650.1), dbSNP rs919699092, ClinGen allele CA158127854.

ClinVar aggregate classification (germline): Uncertain significance (1 of 4 stars; one submission).

Conditions:
PKD1L1-related disorder. Also called: PKD1L1-related condition.

gnomAD v4.1: 14 of 1,612,698 alleles (0.00087%); highest among the groups gnomAD compares: Non-Finnish European, 0.0012%; no homozygotes.

Submission:

PreventionGenetics, part of Exact Sciences
Classification: Uncertain significance for PKD1L1-related condition. Last evaluated: 2023-01-09. Review status: criteria provided, single submitter. Criteria: ACMG Guidelines, 2015. Collection method: clinical testing. Allele origin: germline.
Comment: The PKD1L1 c.2243A>C variant is predicted to result in the amino acid substitution p.Glu748Ala. To our knowledge, this variant has not been reported in the literature. This variant is reported in 0.0016% of alleles in individuals of European (Non-Finnish) descent in gnomAD. At this time, the clinical significance of this variant is uncertain due to the absence of conclusive functional and genetic evidence.